The following is an entry in ClinVar:

NM_003060.4(SLC22A5):c.145dup (p.Arg49fs)

Gene: SLC22A5 (solute carrier family 22 member 5; plus strand). Cytogenetic location: 5q31.1.
Variant type: Duplication.
Coding change: c.145dup on transcript NM_003060.4 (MANE Select); coding-DNA position 145, one base duplicated (C; older notation c.145dupC).
Protein change: p.Arg49fs; shifts the reading frame from arginine 49.
Molecular consequence: frameshift variant.
Genome position (GRCh38, 1-based): chr5:132,370,117, C duplicated; the last of 2 consecutive C bases (chr5:132,370,116-132,370,117); duplicating either gives the same sequence. VCF-style (leftmost placement, unchanged base first): chr5-132370115-A-AC. GRCh37 (hg19) VCF-style: chr5-131705807-A-AC.
Other names: c.145dup, p.Arg49fs (NM_001308122.2); short protein forms R49fs.
Identifiers: ClinVar variation 5011815 (VCV005011815.1).

ClinVar aggregate classification (germline): Pathogenic (1 of 4 stars; one submission).

Conditions:
Renal carnitine transport defect (CDSP). Also called: CARNITINE DEFICIENCY, SYSTEMIC, DUE TO DEFECT IN RENAL REABSORPTION OF CARNITINE; CARNITINE TRANSPORTER, PLASMA-MEMBRANE, DEFICIENCY OF; CARNITINE UPTAKE DEFECT; Primary carnitine deficiency; Systemic primary carnitine deficiency; Carnitine transporter deficiency. Identifiers: Orphanet 158, MedGen C0342788, MONDO:0008919, OMIM 212140.

Submission:

Myriad Genetics, Inc.
Classification: Pathogenic for Renal carnitine transport defect. Last evaluated: 2023-09-27. Review status: criteria provided, single submitter. Criteria: Myriad Autosomal Dominant, Autosomal Recessive and X-Linked Classification Criteria (2023). Collection method: clinical testing. Allele origin: unknown.
Comment: NM_003060.3(SLC22A5):c.145dupC(R49Pfs*89) is expected to be pathogenic in the context of primary carnitine deficiency. This variant is predicted to lead to an abnormal or absent protein product due to the creation of a premature termination codon in SLC22A5, a gene where loss-of-function variants are known to be pathogenic. Please note: this variant was assessed in the context of healthy population screening.